The following is an entry in ClinVar:

NM_002691.4(POLD1):c.3314A>G (p.Glu1105Gly)

Gene: POLD1 (DNA polymerase delta 1, catalytic subunit; plus strand). Cytogenetic location: 19q13.33.
Variant type: single nucleotide variant.
Coding change: c.3314A>G on transcript NM_002691.4 (MANE Select); coding-DNA position 3314, A replaced by G.
Protein change: p.Glu1105Gly; replaces glutamic acid 1105 with glycine.
Molecular consequence: missense variant. On other transcripts: non-coding transcript variant (1).
Genome position (GRCh38, 1-based): chr19:50,417,937, A>G. VCF-style: chr19-50417937-A-G. GRCh37 (hg19) VCF-style: chr19-50921194-A-G.
Other names: c.3314A>G, p.Glu1105Gly (NM_001256849.1); c.3392A>G, p.Glu1131Gly (NM_001308632.1); c.3314A>G (NM_002691.2); short protein forms E1105G, E1131G.
Identifiers: ClinVar variation 469343 (VCV000469343.12), dbSNP rs1256482040, ClinGen allele CA406987894.

ClinVar aggregate classification (germline): Conflicting classifications of pathogenicity. Review status: criteria provided, conflicting classifications (1 of 4 stars). 3 submissions from 3 submitters: Uncertain significance (2); Likely benign (1). Last evaluated 2025-11-21.

Conditions:
POLD1-related polyposis and colorectal cancer syndrome (CRCS10). Also called: Colorectal cancer 10; COLORECTAL CANCER, SUSCEPTIBILITY TO, ON CHROMOSOME 19q; Colorectal cancer, susceptibility to, 10. Identifiers: Orphanet 220460, MedGen C2675481, MONDO:0012953, OMIM 612591.
Hereditary cancer-predisposing syndrome. Also called: Neoplastic Syndromes, Hereditary; Hereditary neoplastic syndrome; Tumor predisposition; Hereditary Cancer Syndrome. Identifiers: Orphanet 140162, MedGen C0027672, MeSH D009386, MONDO:0015356.

gnomAD v4.1: 4 of 1,599,268 alleles (0.00025%); highest among the groups gnomAD compares: Non-Finnish European, 0.00017%; no homozygotes.

Submissions (3):

Ambry Genetics
Classification: Likely benign for Hereditary cancer-predisposing syndrome. Last evaluated: 2025-11-21. Review status: criteria provided, single submitter. Criteria: Ambry Variant Classification Scheme 2023. Collection method: clinical testing. Allele origin: germline.

Labcorp Genetics (formerly Invitae), Labcorp
Classification: Uncertain significance for POLD1-related polyposis and colorectal cancer syndrome. Last evaluated: 2025-11-03. Review status: criteria provided, single submitter. Criteria: Invitae Variant Classification Sherloc (09022015). Collection method: clinical testing. Allele origin: germline.
Comment: This sequence change replaces glutamic acid, which is acidic and polar, with glycine, which is neutral and non-polar, at codon 1105 of the POLD1 protein (p.Glu1105Gly). This variant is not present in population databases (gnomAD no frequency). This variant has not been reported in the literature in individuals affected with POLD1-related conditions. ClinVar contains an entry for this variant (Variation ID: 469343). An algorithm developed to predict the effect of missense changes on protein structure and function (PolyPhen-2) suggests that this variant is likely to be disruptive. In summary, the available evidence is currently insufficient to determine the role of this variant in disease. Therefore, it has been classified as a Variant of Uncertain Significance.

GeneDx
Classification: Uncertain significance. Last evaluated: 2020-08-05. Review status: criteria provided, single submitter. Criteria: GeneDx Variant Classification Process June 2021. Collection method: clinical testing. Allele origin: germline. Affected: yes.
Comment: In silico analysis supports that this missense variant does not alter protein structure/function; Has not been previously published as pathogenic or benign to our knowledge